The following is an entry in ClinVar:

ClinVar aggregate classification (germline): Uncertain significance (1 of 4 stars; one submission).

Conditions:
Cardiomyopathy (CMYO). Also called: Cardiomyopathies. Identifiers: Orphanet 167848, MedGen C0878544, MONDO:0004994, HP:0001638. Inheritance: Various modes of inheritance.

Submission:

Color Diagnostics, LLC DBA Color Health
Classification: Uncertain significance for Cardiomyopathy. Last evaluated: 2024-03-06. Review status: criteria provided, single submitter. Criteria: ACMG Guidelines, 2015. Collection method: clinical testing. Allele origin: germline.
Comment: This missense variant replaces isoleucine with methionine at codon 1214 of the DSP protein. Computational prediction suggests that this variant may not impact protein structure and function (internally defined REVEL score threshold <= 0.5, PMID: 27666373). To our knowledge, functional studies have not been reported for this variant. This variant has not been reported in individuals affected with cardiovascular disorders in the literature. This variant has not been identified in the general population by the Genome Aggregation Database (gnomAD). The available evidence is insufficient to determine the role of this variant in disease conclusively. Therefore, this variant is classified as a Variant of Uncertain Significance.

NM_004415.4(DSP):c.3642T>G (p.Ile1214Met)

Gene: DSP (desmoplakin; plus strand). Cytogenetic location: 6p24.3.
Variant type: single nucleotide variant.
Coding change: c.3642T>G on transcript NM_004415.4 (MANE Select); coding-DNA position 3642, T replaced by G.
Protein change: p.Ile1214Met; replaces isoleucine 1214 with methionine.
Molecular consequence: missense variant. On other transcripts: intron variant (1).
Genome position (GRCh38, 1-based): chr6:7,579,832, T>G. VCF-style: chr6-7579832-T-G. GRCh37 (hg19) VCF-style: chr6-7580065-T-G.
Other names: c.3642T>G, p.Ile1214Met (NM_001319034.2); c.3582+60T>G (NM_001008844.3); short protein forms I1214M.
Identifiers: ClinVar variation 1172333 (VCV001172333.3), dbSNP rs755908729, ClinGen allele CA362684534.